The following is an entry in ClinVar:

ClinVar aggregate classification (germline): Uncertain significance. Review status: criteria provided, multiple submitters, no conflicts (2 of 4 stars). 3 submissions from 3 submitters: Uncertain significance (3). Last evaluated 2026-03-04.

Conditions:
PLEC-related disorder. Also called: PLEC-related disorders; PLEC-related condition.
Epidermolysis bullosa simplex with nail dystrophy (EBS5D). Identifiers: MedGen C4225309, MONDO:0014661, OMIM 616487.
Autosomal recessive limb-girdle muscular dystrophy type 2Q (LGMDR17). Also called: MUSCULAR DYSTROPHY, LIMB-GIRDLE, AUTOSOMAL RECESSIVE 17. Identifiers: Orphanet 254361, MedGen C3150989, MONDO:0013390, OMIM 613723.
Epidermolysis bullosa simplex 5C, with pyloric atresia (EBS5C). Also called: PLEC-Related Epidermolysis Bullosa with Pyloric Atresia; Epidermolysis bullosa simplex with pyloric atresia; PLEC1-Related Epidermolysis Bullosa with Pyloric Atresia. Identifiers: Orphanet 158684, MedGen C2677349, MONDO:0012807, OMIM 612138.
Epidermolysis bullosa simplex 5B, with muscular dystrophy (EBS5B). Also called: EPIDERMOLYSIS BULLOSA SIMPLEX AND LIMB-GIRDLE MUSCULAR DYSTROPHY; Epidermolysis bullosa simplex with muscular dystrophy. Identifiers: Orphanet 257, MedGen C2931072, MONDO:0009181, OMIM 226670.
Epidermolysis bullosa simplex, Ogna type (EBS5A). Also called: Pidermolysis bullosa simplex 5A, Ogna type; EPIDERMOLYSIS BULLOSA SIMPLEX 5A, OGNA TYPE. Identifiers: Orphanet 79401, MedGen C0432317, MONDO:0007555, OMIM 131950.

Allele frequency attached by ClinVar (database versions not stated): TOPMed 0.00002; ExAC 0.00003.
gnomAD v4.1: 44 of 1,590,604 alleles (0.0028%); highest among the groups gnomAD compares: African/African-American, 0.016%; 1 homozygote.

Submissions (3):

PreventionGenetics, part of Exact Sciences
Classification: Uncertain significance for PLEC-related condition. Last evaluated: 2026-03-04. Review status: criteria provided, single submitter. Criteria: ACMG Guidelines, 2015. Collection method: clinical testing. Allele origin: germline.
Comment: The PLEC c.10297C>T variant is predicted to result in the amino acid substitution p.Arg3433Cys. To our knowledge, this variant has not been reported in the literature. This variant is reported in 0.018% of alleles in individuals of South Asian descent in gnomAD. At this time, the clinical significance of this variant is uncertain due to the absence of conclusive functional and genetic evidence.

Labcorp Genetics (formerly Invitae), Labcorp
Classification: Uncertain significance for Autosomal recessive limb-girdle muscular dystrophy type 2Q; Epidermolysis bullosa simplex, Ogna type; Epidermolysis bullosa simplex with nail dystrophy; Epidermolysis bullosa simplex 5C, with pyloric atresia; Epidermolysis bullosa simplex 5B, with muscular dystrophy. Last evaluated: 2025-11-23. Review status: criteria provided, single submitter. Criteria: Invitae Variant Classification Sherloc (09022015). Collection method: clinical testing. Allele origin: germline.
Comment: This sequence change replaces arginine, which is basic and polar, with cysteine, which is neutral and slightly polar, at codon 3433 of the PLEC protein (p.Arg3433Cys). This variant is present in population databases (rs781882032, gnomAD 0.02%), including at least one homozygous and/or hemizygous individual. This variant has not been reported in the literature in individuals affected with PLEC-related conditions. ClinVar contains an entry for this variant (Variation ID: 282889). Invitae Evidence Modeling of protein sequence and biophysical properties (such as structural, functional, and spatial information, amino acid conservation, physicochemical variation, residue mobility, and thermodynamic stability) has been performed for this missense variant. However, the output from this modeling did not meet the statistical confidence thresholds required to predict the impact of this variant on PLEC protein function. In summary, the available evidence is currently insufficient to determine the role of this variant in disease. Therefore, it has been classified as a Variant of Uncertain Significance.

Eurofins Ntd Llc (ga)
Classification: Uncertain significance. Last evaluated: 2015-09-01. Review status: criteria provided, single submitter. Criteria: EGL Classification Definitions 2015. Collection method: clinical testing. Allele origin: germline. Observed: 3 variant alleles, 3 heterozygotes.

NM_201384.3(PLEC):c.10216C>T (p.Arg3406Cys)

Gene: PLEC (plectin; minus strand). Cytogenetic location: 8q24.3.
Variant type: single nucleotide variant.
Coding change: c.10216C>T on transcript NM_201384.3 (MANE Select); coding-DNA position 10216, C replaced by T.
Protein change: p.Arg3406Cys; replaces arginine 3406 with cysteine.
Molecular consequence: missense variant.
Genome position (GRCh38, 1-based): chr8:143,919,605, G>A on the plus strand (C>T on the coding strand, the complement: PLEC is on the minus strand). VCF-style: chr8-143919605-G-A. GRCh37 (hg19) VCF-style: chr8-144993773-G-A.
Other names: c.10297C>T, p.Arg3433Cys (NM_000445.5); c.10174C>T, p.Arg3392Cys (NM_201378.4); c.10150C>T, p.Arg3384Cys (NM_201379.3); c.10627C>T, p.Arg3543Cys (NM_201380.4); c.10120C>T, p.Arg3374Cys (NM_201381.3); c.10216C>T, p.Arg3406Cys (NM_201382.4); c.10228C>T, p.Arg3410Cys (NM_201383.3); short protein forms R3406C, R3433C, R3384C, R3543C, R3374C, R3392C, R3410C.
Identifiers: ClinVar variation 282889 (VCV000282889.14), dbSNP rs781882032, ClinGen allele CA4924723.